The following is an entry in ClinVar:

ClinVar aggregate classification (germline): Uncertain significance. Review status: criteria provided, multiple submitters, no conflicts (2 of 4 stars). 2 submissions from 2 submitters: Uncertain significance (2). Last evaluated 2024-05-17.

Conditions:
Congenital factor VII deficiency. Identifiers: Orphanet 327, MedGen C0272320, MONDO:0009211, OMIM 227500.

gnomAD v4.1: 3 of 1,613,004 alleles (0.00019%); highest among the groups gnomAD compares: Non-Finnish European, 0.00025%; no homozygotes.

Submissions (2):

Pittsburgh Clinical Genomics Laboratory, University of Pittsburgh Medical Center
Classification: Uncertain significance for Congenital factor VII deficiency. Last evaluated: 2024-05-17. Review status: criteria provided, single submitter. Criteria: ACMG Guidelines, 2015. Collection method: clinical testing. Allele origin: germline. Inheritance: Autosomal recessive inheritance. Affected: yes.
Comment: This sequence variant is a single nucleotide substitution (A>G) at position 1159 of the coding sequence of the F7 gene that results in a methionine to valine amino acid change at residue 387 of the coagulation factor VII protein. This residue falls in the peptidase S1 domain of the protein (UniProt). This variant is absent from ClinVar and the published literature. This variant is present in 3/1613004 alleles (0.0006576%) in gnomAD v.4.1.0 population dataset. Multiple bioinformatic tools predict that this amino acid change would be damaging, and the Met387 residue at this position is highly conserved across the vertebrate species examined. Studies examining the functional consequence of this variant have not been performed, to our knowledge. At this time, there is insufficient evidence to determine if this variant is pathogenic or benign. Therefore, we consider this a variant of uncertain significance. ACMG Criteria: PM2, PP2, PP3

Women's Health and Genetics/Laboratory Corporation of America, LabCorp
Classification: Uncertain significance. Last evaluated: 2024-05-03. Review status: criteria provided, single submitter. Criteria: LabCorp Variant Classification Summary - May 2015. Collection method: clinical testing. Allele origin: germline.
Comment: Variant summary: F7 c.1159A>G (p.Met387Val) results in a conservative amino acid change located in the Serine proteases, trypsin domain (IPR001254) of the encoded protein sequence. Four of five in-silico tools predict a damaging effect of the variant on protein function. The variant was absent in 249394 control chromosomes (gnomAD). The available data on variant occurrences in the general population are insufficient to allow any conclusion about variant significance. c.1159A>G has been reported in the literature in a heterozygous individual affected with Congenital factor VII deficiency (Herrmann_2009). This report does not provide unequivocal conclusions about association of the variant with Congenital factor VII deficiency. To our knowledge, no experimental evidence demonstrating an impact on protein function has been reported. The following publication has been ascertained in the context of this evaluation (PMID: 18976247). No submitters have cited clinical-significance assessments for this variant to ClinVar. Based on the evidence outlined above, the variant was classified as uncertain significance.

Literature cited by the submitters: PubMed 18976247 (cited by Women's Health and Genetics/Laboratory Corporation of America, LabCorp).

NM_019616.4(F7):c.1093A>G (p.Met365Val)

Gene: F7 (coagulation factor VII; plus strand). Cytogenetic location: 13q34.
Variant type: single nucleotide variant.
Coding change: c.1093A>G on transcript NM_019616.4 (MANE Select); coding-DNA position 1093, A replaced by G.
Protein change: p.Met365Val; replaces methionine 365 with valine.
Molecular consequence: missense variant. On other transcripts: non-coding transcript variant (1).
Genome position (GRCh38, 1-based): chr13:113,118,766, A>G. VCF-style: chr13-113118766-A-G. GRCh37 (hg19) VCF-style: chr13-113773080-A-G.
Other names: c.1159A>G, p.Met387Val (NM_000131.5); c.907A>G, p.Met303Val (NM_001267554.2); short protein forms M303V, M365V, M387V.
Identifiers: ClinVar variation 3336207 (VCV003336207.2).